The following is an entry in ClinVar:

ClinVar aggregate classification (germline): Pathogenic/Likely pathogenic. Review status: criteria provided, multiple submitters, no conflicts (2 of 4 stars). 2 submissions from 2 submitters: Pathogenic (1); Likely pathogenic (1). Last evaluated 2024-01-25.

Conditions:
Infantile cerebral and cerebellar atrophy with postnatal progressive microcephaly (MSBA). Identifiers: Orphanet 402364, MedGen C3150921, MONDO:0013351, OMIM 613668.

Allele frequency attached by ClinVar (database versions not stated): gnomAD exomes below 0.00001; gnomAD 0.00001.
gnomAD v4.1: 1 of 1,614,140 alleles (0.000062%); highest among the groups gnomAD compares: African/African-American, 0.0013%; no homozygotes.

Submissions (2):

Labcorp Genetics (formerly Invitae), Labcorp
Classification: Pathogenic. Last evaluated: 2024-01-25. Review status: criteria provided, single submitter. Criteria: Invitae Variant Classification Sherloc (09022015). Collection method: clinical testing. Allele origin: germline.
Comment: This sequence change creates a premature translational stop signal (p.Gln158*) in the MED17 gene. It is expected to result in an absent or disrupted protein product. Loss-of-function variants in MED17 are known to be pathogenic (PMID: 20950787, 26004231, 30345598). This variant is not present in population databases (gnomAD no frequency). This variant has not been reported in the literature in individuals affected with MED17-related conditions. ClinVar contains an entry for this variant (Variation ID: 1070708). For these reasons, this variant has been classified as Pathogenic.

Fulgent Genetics
Classification: Likely pathogenic for Infantile cerebral and cerebellar atrophy with postnatal progressive microcephaly. Last evaluated: 2023-12-29. Review status: criteria provided, single submitter. Criteria: ACMG Guidelines, 2015. Collection method: clinical testing. Allele origin: germline.

Literature cited by the submitters: PubMed 20950787 (cited by Labcorp Genetics (formerly Invitae), Labcorp); PubMed 26004231 (cited by Labcorp Genetics (formerly Invitae), Labcorp); PubMed 30345598 (cited by Labcorp Genetics (formerly Invitae), Labcorp).

NM_004268.5(MED17):c.472C>T (p.Gln158Ter)

Gene: MED17 (mediator complex subunit 17; plus strand). Cytogenetic location: 11q21.
Variant type: single nucleotide variant.
Coding change: c.472C>T on transcript NM_004268.5 (MANE Select); coding-DNA position 472, C replaced by T.
Protein change: p.Gln158Ter; replaces glutamine 158 with a stop codon.
Molecular consequence: nonsense.
Genome position (GRCh38, 1-based): chr11:93,790,628, C>T. VCF-style: chr11-93790628-C-T. GRCh37 (hg19) VCF-style: chr11-93523794-C-T.
Other names: short protein forms Q158*.
Identifiers: ClinVar variation 1070708 (VCV001070708.8), dbSNP rs1302840036, ClinGen allele CA382353628.
Genomic context (GRCh38, chr11:93,790,628, plus strand): 5'-TGACAGAATCCTCAGACGTTGCAATTGATATCTAAAAAGAAGTCACTTGCTGGAGCAGCA[C>T]AAATCTTATTGAAGGGGGCAGAAAGACTGACTAAATCAGTTACCGAAAACCAAGAAAACA-3'